The following is an entry in ClinVar:

ClinVar aggregate classification (germline): Pathogenic (1 of 4 stars; one submission).

Submission:

Labcorp Genetics (formerly Invitae), Labcorp
Classification: Pathogenic. Last evaluated: 2025-07-09. Review status: criteria provided, single submitter. Criteria: Invitae Variant Classification Sherloc (09022015). Collection method: clinical testing. Allele origin: germline.
Comment: This sequence change creates a premature translational stop signal (p.Thr1090Metfs*4) in the POLE gene. It is expected to result in an absent or disrupted protein product. Loss-of-function variants in POLE are known to be pathogenic (PMID: 23230001, 25948378, 30503519). This variant is not present in population databases (gnomAD no frequency). This variant has not been reported in the literature in individuals affected with POLE-related conditions. For these reasons, this variant has been classified as Pathogenic.

Literature cited by the submitters: PubMed 23230001; PubMed 25948378; PubMed 30503519.

NM_006231.4(POLE):c.3268_3269insTGGAGAGGTGAGGGCTCCCCCCGTCA (p.Thr1090delinsMetGluArgTer)

Gene: POLE (DNA polymerase epsilon, catalytic subunit; minus strand). Cytogenetic location: 12q24.33.
Variant type: Insertion.
Coding change: c.3268_3269insTGGAGAGGTGAGGGCTCCCCCCGTCA on transcript NM_006231.4 (MANE Select); coding-DNA positions 3268 to 3269, TGGAGAGGTGAGGGCTCCCCCCGTCA inserted.
Protein change: p.Thr1090delinsMetGluArgTer.
Molecular consequence: nonsense.
Genome position: GRCh38 VCF-style: chr12-132659301-G-GTGACGGGGGGAGCCCTCACCTCTCCA. GRCh37 (hg19) VCF-style: chr12-133235887-G-GTGACGGGGGGAGCCCTCACCTCTCCA.
Identifiers: ClinVar variation 4713166 (VCV004713166.1).